The following is an entry in ClinVar:

NM_001009944.3(PKD1):c.4670G>A (p.Arg1557His)

Gene: PKD1 (polycystin 1, transient receptor potential channel interacting; minus strand). Cytogenetic location: 16p13.3.
Variant type: single nucleotide variant.
Coding change: c.4670G>A on transcript NM_001009944.3 (MANE Select); coding-DNA position 4670, G replaced by A.
Protein change: p.Arg1557His; replaces arginine 1557 with histidine.
Molecular consequence: missense variant.
Genome position (GRCh38, 1-based): chr16:2,110,497, C>T on the plus strand (G>A on the coding strand, the complement: PKD1 is on the minus strand). VCF-style: chr16-2110497-C-T. GRCh37 (hg19) VCF-style: chr16-2160498-C-T.
Other names: c.4670G>A, p.Arg1557His (NM_000296.4); short protein forms R1557H.
Identifiers: ClinVar variation 4985061 (VCV004985061.1).

ClinVar aggregate classification (germline): Uncertain significance (1 of 4 stars; one submission).

Conditions:
PKD1-related disorder. Also called: PKD1-related condition.

gnomAD v4.1: 16 of 1,612,184 alleles (0.00099%); highest among the groups gnomAD compares: Middle Eastern, 0.017%; no homozygotes.

Submission:

PreventionGenetics, part of Exact Sciences
Classification: Uncertain significance for PKD1-related condition. Last evaluated: 2026-07-15. Review status: criteria provided, single submitter. Criteria: ACMG Guidelines, 2015. Collection method: clinical testing. Allele origin: germline.
Comment: The PKD1 c.4670G>A variant is predicted to result in the amino acid substitution p.Arg1557His. To our knowledge, this variant has not been reported in the literature. This variant is reported in 0.0029% of alleles in individuals of Latino descent in gnomAD. At this time, the clinical significance of this variant is uncertain due to the absence of conclusive functional and genetic evidence.